The following is an entry in ClinVar:

ClinVar aggregate classification (germline): Benign. Review status: criteria provided, multiple submitters, no conflicts (2 of 4 stars). 2 submissions from 2 submitters: Benign (2). Last evaluated 2018-06-14.

Allele frequency attached by ClinVar (database versions not stated): gnomAD 0.01741 and 0.01845; TOPMed 0.01935; 1000 Genomes Project 0.02236; 1000 Genomes Project 30x 0.02452.
gnomAD v4.1: 2,613 of 152,174 alleles (1.7%); highest among the groups gnomAD compares: African/African-American, 6%; 64 homozygotes.

Submissions (2):

GeneDx
Classification: Benign. Last evaluated: 2018-06-14. Review status: criteria provided, single submitter. Criteria: GeneDx Variant Classification (06012015). Collection method: clinical testing. Allele origin: germline. Affected: yes.
Comment: This variant is considered likely benign or benign based on one or more of the following criteria: it is a conservative change, it occurs at a poorly conserved position in the protein, it is predicted to be benign by multiple in silico algorithms, and/or has population frequency not consistent with disease.

Breakthrough Genomics
Classification: Benign. Review status: criteria provided, single submitter. Criteria: ACMG Guidelines, 2015. Collection method: not provided. Allele origin: germline. Inheritance: Autosomal dominant inheritance. Affected: yes.

NM_000393.5(COL5A2):c.3040-165G>A

Gene: COL5A2 (collagen type V alpha 2 chain; minus strand). Cytogenetic location: 2q32.2.
Variant type: single nucleotide variant.
Coding change: c.3040-165G>A on transcript NM_000393.5 (MANE Select); 165 bases into the intron before coding-DNA position 3040, G replaced by A.
Molecular consequence: intron variant.
Genome position (GRCh38, 1-based): chr2:189,049,619, C>T on the plus strand (G>A on the coding strand, the complement: COL5A2 is on the minus strand). VCF-style: chr2-189049619-C-T. GRCh37 (hg19) VCF-style: chr2-189914345-C-T.
Identifiers: ClinVar variation 675830 (VCV000675830.2), dbSNP rs116497614, ClinGen allele CA62594296.